The following is an entry in ClinVar:

NM_000497.4(CYP11B1):c.1361G>A (p.Arg454His)

Genes: CYP11B1 (cytochrome P450 family 11 subfamily B member 1; minus strand), LOC106799833 (CYP11B1 recombination region; plus strand). Cytogenetic location: 8q24.3.
Variant type: single nucleotide variant.
Coding change: c.1361G>A on transcript NM_000497.4 (MANE Select); coding-DNA position 1361, G replaced by A.
Protein change: p.Arg454His; replaces arginine 454 with histidine.
Molecular consequence: missense variant. On other transcripts: intron variant (1).
Genome position (GRCh38, 1-based): chr8:142,874,994, C>T on the plus strand (G>A on the coding strand, the complement: CYP11B1 is on the minus strand). VCF-style: chr8-142874994-C-T. GRCh37 (hg19) VCF-style: chr8-143956410-C-T.
Other names: c.1200+240G>A (NM_001026213.1); short protein forms R454H.
Identifiers: ClinVar variation 556405 (VCV000556405.10), dbSNP rs367634557, ClinGen allele CA4905010.

ClinVar aggregate classification (germline): Pathogenic/Likely pathogenic. Review status: criteria provided, multiple submitters, no conflicts (2 of 4 stars). 4 submissions from 4 submitters: Pathogenic (2); Likely pathogenic (1). 1 of the submissions does not count toward it. Last evaluated 2024-03-19.

Conditions:
Congenital adrenal hyperplasia. Identifiers: Orphanet 418, MedGen C0001627, MONDO:0018479, HP:0008258.
Deficiency of steroid 11-beta-monooxygenase (CYP11B1). Also called: ADRENAL HYPERPLASIA, CONGENITAL, DUE TO STEROID 11-BETA-HYDROXYLASE DEFICIENCY; 11-BETA-HYDROXYLASE DEFICIENCY; Congenital adrenal hyperplasia due to 11-beta-hydroxylase deficiency; P450C11B1 DEFICIENCY; STEROID 11-BETA-HYDROXYLASE DEFICIENCY; ADRENAL HYPERPLASIA IV. Identifiers: Orphanet 90795, MedGen C0268292, MONDO:0008729, OMIM 202010. Disease mechanism: loss of function.
Glucocorticoid-remediable aldosteronism. Also called: FH I; ACTH-DEPENDENT HYPERALDOSTERONISM SYNDROME; ALDOSTERONISM, SENSITIVE TO DEXAMETHASONE; Hyperaldosteronism, familial, type I; GLUCOCORTICOID-SUPPRESSIBLE HYPERALDOSTERONISM. Identifiers: Orphanet 403, MedGen C3838731, MONDO:0007080, OMIM 103900.

Allele frequency attached by ClinVar (database versions not stated): TOPMed below 0.00001; ExAC 0.00001; gnomAD exomes 0.00001; ESP Exome Variant Server 0.00008.
gnomAD v4.1: 32 of 1,614,142 alleles (0.002%); highest among the groups gnomAD compares: Non-Finnish European, 0.0025%; no homozygotes.

Submissions (4):

Women's Health and Genetics/Laboratory Corporation of America, LabCorp
Classification: Pathogenic for Congenital adrenal hyperplasia. Last evaluated: 2024-03-19. Review status: criteria provided, single submitter. Criteria: LabCorp Variant Classification Summary - May 2015. Collection method: clinical testing. Allele origin: germline.
Comment: Variant summary: CYP11B1 c.1361G>A (p.Arg454His) results in a non-conservative amino acid change in the encoded protein sequence. Four of five in-silico tools predict a damaging effect of the variant on protein function. The variant allele was found at a frequency of 8e-06 in 251224 control chromosomes. c.1361G>A has been reported in the literature in multiple homozygous and compound heterozygous individuals affected with Steroid 11b-hydroxylase deficiency (e.g. Wang_2015, Xie_2022). These data indicate that the variant is very likely to be associated with disease. To our knowledge, no experimental evidence demonstrating an impact on protein function has been reported. The following publications have been ascertained in the context of this evaluation (PMID: 25911436, 35685215). ClinVar contains an entry for this variant (Variation ID: 556405). Based on the evidence outlined above, the variant was classified as pathogenic.

Fulgent Genetics
Classification: Likely pathogenic for Glucocorticoid-remediable aldosteronism; Deficiency of steroid 11-beta-monooxygenase. Last evaluated: 2024-03-15. Review status: criteria provided, single submitter. Criteria: ACMG Guidelines, 2015. Collection method: clinical testing. Allele origin: germline.

Labcorp Genetics (formerly Invitae), Labcorp
Classification: Pathogenic. Last evaluated: 2022-04-11. Review status: criteria provided, single submitter. Criteria: Invitae Variant Classification Sherloc (09022015). Collection method: clinical testing. Allele origin: germline.
Comment: For these reasons, this variant has been classified as Pathogenic. This sequence change replaces arginine, which is basic and polar, with histidine, which is basic and polar, at codon 454 of the CYP11B1 protein (p.Arg454His). This variant is present in population databases (rs367634557, gnomAD 0.007%). This missense change has been observed in individuals with autosomal recessive CYP11B1-related conditions (PMID: 25911436). ClinVar contains an entry for this variant (Variation ID: 556405). Advanced modeling of protein sequence and biophysical properties (such as structural, functional, and spatial information, amino acid conservation, physicochemical variation, residue mobility, and thermodynamic stability) performed at Invitae indicates that this missense variant is expected to disrupt CYP11B1 protein function. This variant disrupts the p.Arg454 amino acid residue in CYP11B1. Other variant(s) that disrupt this residue have been determined to be pathogenic (PMID: 20529578, 20947076, 22964742, 25911436). This suggests that this residue is clinically significant, and that variants that disrupt this residue are likely to be disease-causing.

Counsyl
Classification: Likely pathogenic for Deficiency of steroid 11-beta-monooxygenase. Last evaluated: 2018-01-31. Review status: no assertion criteria provided. Collection method: clinical testing. Allele origin: unknown. Not counted in ClinVar's aggregate classification.

Literature cited by the submitters: PubMed 25911436 (cited by 3 submitters); PubMed 35685215 (cited by Women's Health and Genetics/Laboratory Corporation of America, LabCorp); PubMed 20529578 (cited by Labcorp Genetics (formerly Invitae), Labcorp); PubMed 20947076 (cited by Labcorp Genetics (formerly Invitae), Labcorp); PubMed 22964742 (cited by Labcorp Genetics (formerly Invitae), Labcorp).